The following is an entry in ClinVar:

NM_002386.4(MC1R):c.461G>T (p.Ser154Ile)

Gene: MC1R (melanocortin 1 receptor; plus strand). Cytogenetic location: 16q24.3.
Variant type: single nucleotide variant.
Coding change: c.461G>T on transcript NM_002386.4 (MANE Select); coding-DNA position 461, G replaced by T.
Protein change: p.Ser154Ile; replaces serine 154 with isoleucine.
Molecular consequence: missense variant.
Genome position (GRCh38, 1-based): chr16:89,919,719, G>T. VCF-style: chr16-89919719-G-T. GRCh37 (hg19) VCF-style: chr16-89986127-G-T.
Other names: short protein forms S154I.
Identifiers: ClinVar variation 2184583 (VCV002184583.4), dbSNP rs2544609573, ClinGen allele CA397460899.
Genomic context (GRCh38, chr16:89,919,719, plus strand): 5'-TCCTGGGCGCCATCGCCGTGGACCGCTACATCTCCATCTTCTACGCACTGCGCTACCACA[G>T]CATCGTGACCCTGCCGCGGGCGCGGCGAGCCGTTGCGGCCATCTGGGTGGCCAGTGTCGT-3'
Protein context (NP_002377.4, residues 144-164): ISIFYALRYH[Ser154Ile]IVTLPRARRA

ClinVar aggregate classification (germline): Uncertain significance (1 of 4 stars; one submission).

Conditions:
Melanoma, cutaneous malignant, susceptibility to, 5. Also called: Cutaneous malignant melanoma 5. Identifiers: Orphanet 618, MedGen C2751295, MONDO:0013133, OMIM 613099.

Submission:

Labcorp Genetics (formerly Invitae), Labcorp
Classification: Uncertain significance for Melanoma, cutaneous malignant, susceptibility to, 5. Last evaluated: 2022-10-20. Review status: criteria provided, single submitter. Criteria: Invitae Variant Classification Sherloc (09022015). Collection method: clinical testing. Allele origin: germline.
Comment: Advanced modeling of protein sequence and biophysical properties (such as structural, functional, and spatial information, amino acid conservation, physicochemical variation, residue mobility, and thermodynamic stability) performed at Invitae indicates that this missense variant is not expected to disrupt MC1R protein function. In summary, the available evidence is currently insufficient to determine the role of this variant in disease. Therefore, it has been classified as a Variant of Uncertain Significance. This variant has not been reported in the literature in individuals affected with MC1R-related conditions. This variant is not present in population databases (gnomAD no frequency). This sequence change replaces serine, which is neutral and polar, with isoleucine, which is neutral and non-polar, at codon 154 of the MC1R protein (p.Ser154Ile).